The following is an entry in ClinVar:

NM_002230.4(JUP):c.652G>A (p.Gly218Arg)

Gene: JUP (junction plakoglobin; minus strand). Cytogenetic location: 17q21.2.
Variant type: single nucleotide variant.
Coding change: c.652G>A on transcript NM_002230.4 (MANE Select); coding-DNA position 652, G replaced by A.
Protein change: p.Gly218Arg; replaces glycine 218 with arginine.
Molecular consequence: missense variant.
Genome position (GRCh38, 1-based): chr17:41,769,024, C>T on the plus strand (G>A on the coding strand, the complement: JUP is on the minus strand). VCF-style: chr17-41769024-C-T. GRCh37 (hg19) VCF-style: chr17-39925276-C-T.
Other names: c.652G>A, p.Gly218Arg (NM_001352773.2, NM_001352774.2, NM_001352775.2 and 3 more transcripts); short protein forms G218R.
Identifiers: ClinVar variation 1058851 (VCV001058851.9), dbSNP rs1597823588, ClinGen allele CA399502649.

ClinVar aggregate classification (germline): Uncertain significance (1 of 4 stars; one submission).

Conditions:
Arrhythmogenic right ventricular dysplasia 12. Also called: ARRHYTHMOGENIC RIGHT VENTRICULAR DYSPLASIA, FAMILIAL, 12. Identifiers: MedGen C1969081, MONDO:0012684, OMIM 611528.
Naxos disease (NXD). Also called: CARDIOMYOPATHY, ARRHYTHMOGENIC RIGHT VENTRICULAR, WITH SKIN, HAIR, AND NAIL ABNORMALITIES; KERATOSIS PALMOPLANTARIS WITH ARRHYTHMOGENIC CARDIOMYOPATHY; MAL DE NAXOS; PALMOPLANTAR KERATODERMA WITH ARRHYTHMOGENIC RIGHT VENTRICULAR CARDIOMYOPATHY AND WOOLLY HAIR; WOOLLY HAIR, PALMOPLANTAR KERATODERMA, AND CARDIAC ABNORMALITIES. Identifiers: Orphanet 34217, MedGen C1832600, MONDO:0011017, OMIM 601214.

Submission:

Labcorp Genetics (formerly Invitae), Labcorp
Classification: Uncertain significance for Arrhythmogenic right ventricular dysplasia 12; Naxos disease. Last evaluated: 2020-06-02. Review status: criteria provided, single submitter. Criteria: Invitae Variant Classification Sherloc (09022015). Collection method: clinical testing. Allele origin: germline.
Comment: This variant is not present in population databases (ExAC no frequency). In summary, the available evidence is currently insufficient to determine the role of this variant in disease. Therefore, it has been classified as a Variant of Uncertain Significance. Algorithms developed to predict the effect of missense changes on protein structure and function are either unavailable or do not agree on the potential impact of this missense change (SIFT: "Deleterious"; PolyPhen-2: "Probably Damaging"; Align-GVGD: "Class C0"). This variant has not been reported in the literature in individuals with JUP-related conditions. This sequence change replaces glycine with arginine at codon 218 of the JUP protein (p.Gly218Arg). The glycine residue is highly conserved and there is a moderate physicochemical difference between glycine and arginine.